The following is an entry in ClinVar:

NM_017617.5(NOTCH1):c.3835C>T (p.Arg1279Cys)

Gene: NOTCH1 (notch receptor 1; minus strand). Cytogenetic location: 9q34.3.
Variant type: single nucleotide variant.
Coding change: c.3835C>T on transcript NM_017617.5 (MANE Select); coding-DNA position 3835, C replaced by T.
Protein change: p.Arg1279Cys; replaces arginine 1279 with cysteine.
Molecular consequence: missense variant.
Genome position (GRCh38, 1-based): chr9:136,506,782, G>A on the plus strand (C>T on the coding strand, the complement: NOTCH1 is on the minus strand). VCF-style: chr9-136506782-G-A. GRCh37 (hg19) VCF-style: chr9-139401234-G-A.
Other names: c.3835C>T, p.Arg1279Cys (LRG_1122t1); c.3835C>T (NM_017617.4); short protein forms R1279C.
Identifiers: ClinVar variation 241139 (VCV000241139.47), dbSNP rs182330532, ClinGen allele CA5340791.

ClinVar aggregate classification (germline): Conflicting classifications of pathogenicity. Review status: criteria provided, conflicting classifications (1 of 4 stars). 14 submissions from 14 submitters: Uncertain significance (2); Benign (1); Likely benign (7). 4 of the submissions do not count toward it. Last evaluated 2026-05-15.

Conditions:
NOTCH1-related disorder. Also called: NOTCH1-related condition; NOTCH1-related disorders.
Adams-Oliver syndrome 5 (AOS5). Identifiers: Orphanet 974, MedGen C4014970, MONDO:0014459, OMIM 616028.
Familial thoracic aortic aneurysm and aortic dissection (TAAD). Also called: Thoracic aortic aneurysms and dissections. Identifiers: Orphanet 91387, MedGen C4707243, MONDO:0019625.
Neurofibromatosis, type 1 (NF1). Also called: Peripheral type neurofibromatosis; Neurofibromatosis, type I; VON RECKLINGHAUSEN DISEASE; NEUROFIBROMATOSIS, TYPE I, SOMATIC. Identifiers: Orphanet 636, MedGen C0027831, MONDO:0018975, OMIM 162200. Disease mechanism: loss of function.

Allele frequency attached by ClinVar (database versions not stated): ExAC 0.00032; gnomAD exomes 0.00037; 1000 Genomes Project 0.00040; 1000 Genomes Project 30x 0.00047; TOPMed 0.00056; gnomAD 0.00058; ESP Exome Variant Server 0.00071.
gnomAD v4.1: 1,204 of 1,610,112 alleles (0.075%); highest among the groups gnomAD compares: Non-Finnish European, 0.091%; no homozygotes.

Submissions (14):

Women's Health and Genetics/Laboratory Corporation of America, LabCorp
Classification: Likely benign. Last evaluated: 2026-05-15. Review status: criteria provided, single submitter. Criteria: LabCorp Variant Classification Summary - May 2015. Collection method: clinical testing. Allele origin: germline.
Comment: Variant summary: NOTCH1 c.3835C>T (p.Arg1279Cys) results in a non-conservative amino acid change located in the EGF-like domain (IPR000742) of the encoded protein sequence. Algorithms developed to predict the effect of missense changes on protein structure and function are either unavailable or do not agree on the potential impact of this missense change. The variant allele was found at a frequency of 0.00037 in 240610 control chromosomes (gnomAD). The observed variant frequency exceeds the estimated maximal expected allele frequency for disease-causing variants in NOTCH1. To our knowledge, no experimental evidence demonstrating impact on protein function has been reported. ClinVar contains an entry for this variant (Variation ID: 241139). Based on the evidence outlined above, the variant was classified as likely benign.

Labcorp Genetics (formerly Invitae), Labcorp
Classification: Likely benign for Adams-Oliver syndrome 5. Last evaluated: 2026-01-19. Review status: criteria provided, single submitter. Criteria: Invitae Variant Classification Sherloc (09022015). Collection method: clinical testing. Allele origin: germline.

Johns Hopkins Genomics, Johns Hopkins University
Classification: Likely benign for Neurofibromatosis, type 1. Last evaluated: 2025-08-22. Review status: criteria provided, single submitter. Criteria: ACMG Guidelines, 2015. Collection method: clinical testing. Allele origin: germline.
Comment: This variant is classified as likely benign (PM2, PP2, PP3, BS2, BP6).

Mayo Clinic Laboratories, Mayo Clinic
Classification: Uncertain significance. Last evaluated: 2025-08-01. Review status: criteria provided, single submitter. Criteria: ACMG Guidelines, 2015. Collection method: clinical testing. Allele origin: germline. Observed: 3 variant alleles.
Comment: BS3_supporting, PP1, PP2

ARUP Laboratories, Molecular Genetics and Genomics, ARUP Laboratories
Classification: Uncertain significance. Last evaluated: 2025-06-12. Review status: criteria provided, single submitter. Criteria: ARUP Molecular Germline Variant Investigation Process 2024. Collection method: clinical testing. Allele origin: germline.
Comment: The NOTCH1 c.3835C>T; p.Arg1279Cys variant (rs182330532, ClinVar Variation ID: 241139) is reported in the literature in individuals affected with cerebral small vessel disease (Dunn 2022), spontaneous coronary artery dissection (Turley 2023) or heritable thoracic aortic disease (Musfee 2020). The variant co-segregated with congenital heart defects in one family (Blue 2017). This variant is found in the general population with an allele frequency of 0.038% (102/271942 alleles) in the Genome Aggregation Database (v2.1.1). Computational analyses are uncertain whether this variant is neutral or deleterious (REVEL: 0.436). Due to limited information, the clinical significance of this variant is uncertain at this time. References: Blue GM et al. The promises and challenges of exome sequencing in familial, non-syndromic congenital heart disease. Int J Cardiol. 2017 Mar 1;230:155-163. PMID: 27989580. Dunn PJ et al. Investigating a Genetic Link Between Alzheimer's Disease and CADASIL-Related Cerebral Small Vessel Disease. Mol Neurobiol. 2022 Dec;59(12):7293-7302. PMID: 36175824. Musfee FI et al. Rare deleterious variants of NOTCH1, GATA4, SMAD6, and ROBO4 are enriched in BAV with early onset complications but not in BAV with heritable thoracic aortic disease. Mol Genet Genomic Med. 2020 Oct;8(10):e1406. PMID: 32748548. Turley TN et al. Identification of Rare Genetic Variants in Familial Spontaneous Coronary Artery Dissection and Evidence for Shared Biological Pathways. J Cardiovasc Dev Dis. 2023 Sep 12;10(9):393. PMID: 37754822.

CeGaT Center for Human Genetics Tuebingen
Classification: Benign. Last evaluated: 2025-05-01. Review status: criteria provided, single submitter. Criteria: CeGaT Center For Human Genetics Tuebingen Variant Classification Criteria Version 2. Collection method: clinical testing. Allele origin: germline. Affected: yes. Observed: 1 variant allele.
Comment: NOTCH1: BS1, BS2

Blueprint Genetics
Classification: Likely benign. Last evaluated: 2024-04-17. Review status: criteria provided, single submitter. Criteria: ACMG Guidelines, 2015. Collection method: clinical testing. Allele origin: germline.

GeneDx
Classification: Likely benign. Last evaluated: 2023-06-08. Review status: criteria provided, single submitter. Criteria: GeneDx Variant Classification Process June 2021. Collection method: clinical testing. Allele origin: germline. Affected: yes.
Comment: See Variant Classification Assertion Criteria.

Ambry Genetics
Classification: Likely benign for Familial thoracic aortic aneurysm and aortic dissection. Last evaluated: 2020-06-08. Review status: criteria provided, single submitter. Criteria: Ambry Variant Classification Scheme 2023. Collection method: clinical testing. Allele origin: germline.

CHEO Genetics Diagnostic Laboratory, Children's Hospital of Eastern Ontario
Classification: Likely benign for Familial thoracic aortic aneurysm and aortic dissection. Last evaluated: 2019-05-28. Review status: criteria provided, single submitter. Criteria: ACMG Guidelines, 2015. Collection method: clinical testing. Allele origin: germline.

PreventionGenetics, part of Exact Sciences
Classification: Likely benign for NOTCH1-related condition. Last evaluated: 2024-02-17. Review status: no assertion criteria provided. Collection method: clinical testing. Allele origin: germline. Not counted in ClinVar's aggregate classification.
Comment: This variant is classified as likely benign based on ACMG/AMP sequence variant interpretation guidelines (Richards et al. 2015 PMID: 25741868, with internal and published modifications).

Clinical Genetics DNA and cytogenetics Diagnostics Lab, Erasmus MC, Erasmus Medical Center
Classification: Uncertain significance. Review status: no assertion criteria provided. Collection method: clinical testing. Allele origin: germline. Affected: yes. Study: VKGL Data-share Consensus. Not counted in ClinVar's aggregate classification.

Joint Genome Diagnostic Labs from Nijmegen and Maastricht, Radboudumc and MUMC+
Classification: Uncertain significance. Review status: no assertion criteria provided. Collection method: clinical testing. Allele origin: germline. Affected: yes. Study: VKGL Data-share Consensus. Not counted in ClinVar's aggregate classification.

Laboratory of Diagnostic Genome Analysis, Leiden University Medical Center (LUMC)
Classification: Uncertain significance. Review status: no assertion criteria provided. Collection method: clinical testing. Allele origin: germline. Affected: yes. Study: VKGL Data-share Consensus. Not counted in ClinVar's aggregate classification.

Literature cited by the submitters: PubMed 25963545 (cited by Johns Hopkins Genomics, Johns Hopkins University); PubMed 27989580 (cited by 3 submitters); PubMed 32748548 (cited by Johns Hopkins Genomics, Johns Hopkins University); PubMed 37754822 (cited by Johns Hopkins Genomics, Johns Hopkins University and Mayo Clinic Laboratories, Mayo Clinic); PubMed 36175824 (cited by Mayo Clinic Laboratories, Mayo Clinic).